The following is an entry in ClinVar:

NM_019066.5(MAGEL2):c.80C>A (p.Thr27Lys)

Gene: MAGEL2 (MAGE family member L2; minus strand). Cytogenetic location: 15q11.2.
Variant type: single nucleotide variant.
Coding change: c.80C>A on transcript NM_019066.5 (MANE Select); coding-DNA position 80, C replaced by A.
Protein change: p.Thr27Lys; replaces threonine 27 with lysine.
Molecular consequence: missense variant.
Genome position (GRCh38, 1-based): chr15:23,647,663, G>T on the plus strand (C>A on the coding strand, the complement: MAGEL2 is on the minus strand). VCF-style: chr15-23647663-G-T. GRCh37 (hg19) VCF-style: chr15-23892810-G-T.
Other names: short protein forms T27K.
Identifiers: ClinVar variation 1949779 (VCV001949779.5), dbSNP rs1440125014, ClinGen allele CA391337956.

ClinVar aggregate classification (germline): Uncertain significance (1 of 4 stars; one submission).

gnomAD v4.1: 4 of 1,531,300 alleles (0.00026%); highest among the groups gnomAD compares: Non-Finnish European, 0.00035%; no homozygotes.

Submission:

Labcorp Genetics (formerly Invitae), Labcorp
Classification: Uncertain significance. Last evaluated: 2024-10-24. Review status: criteria provided, single submitter. Criteria: Invitae Variant Classification Sherloc (09022015). Collection method: clinical testing. Allele origin: germline.
Comment: This sequence change replaces threonine, which is neutral and polar, with lysine, which is basic and polar, at codon 27 of the MAGEL2 protein (p.Thr27Lys). This variant is not present in population databases (gnomAD no frequency). This variant has not been reported in the literature in individuals affected with MAGEL2-related conditions. ClinVar contains an entry for this variant (Variation ID: 1949779). Experimental studies and prediction algorithms are not available or were not evaluated, and the functional significance of this variant is currently unknown. In summary, the available evidence is currently insufficient to determine the role of this variant in disease. Therefore, it has been classified as a Variant of Uncertain Significance.